The following is an entry in ClinVar:

ClinVar aggregate classification (germline): Uncertain significance (1 of 4 stars; one submission).

Submission:

GeneDx
Classification: Uncertain significance. Last evaluated: 2023-04-01. Review status: criteria provided, single submitter. Criteria: GeneDx Variant Classification Process June 2021. Collection method: clinical testing. Allele origin: germline. Affected: yes.
Comment: Not observed at significant frequency in large population cohorts (gnomAD); In silico analysis supports that this missense variant does not alter protein structure/function; Has not been previously published as pathogenic or benign to our knowledge

NM_021614.4(KCNN2):c.971A>G (p.Lys324Arg)

Gene: KCNN2 (potassium calcium-activated channel subfamily N member 2; plus strand). Cytogenetic location: 5q22.3.
Variant type: single nucleotide variant.
Coding change: c.971A>G on transcript NM_021614.4 (MANE Select); coding-DNA position 971, A replaced by G.
Protein change: p.Lys324Arg; replaces lysine 324 with arginine.
Molecular consequence: missense variant. On other transcripts: non-coding transcript variant (1).
Genome position (GRCh38, 1-based): chr5:114,363,110, A>G. VCF-style: chr5-114363110-A-G. GRCh37 (hg19) VCF-style: chr5-113698807-A-G.
Other names: c.1169A>G, p.Lys390Arg (NM_001372233.1); short protein forms K324R, K390R.
Identifiers: ClinVar variation 2581984 (VCV002581984.1), dbSNP rs2531554809, ClinGen allele CA360703676.